The following is an entry in ClinVar:

NM_004370.6(COL12A1):c.5258A>G (p.Lys1753Arg)

Gene: COL12A1 (collagen type XII alpha 1 chain; minus strand). Cytogenetic location: 6q13.
Variant type: single nucleotide variant.
Coding change: c.5258A>G on transcript NM_004370.6 (MANE Select); coding-DNA position 5258, A replaced by G.
Protein change: p.Lys1753Arg; replaces lysine 1753 with arginine.
Molecular consequence: missense variant.
Genome position (GRCh38, 1-based): chr6:75,137,573, T>C on the plus strand (A>G on the coding strand, the complement: COL12A1 is on the minus strand). VCF-style: chr6-75137573-T-C. GRCh37 (hg19) VCF-style: chr6-75847289-T-C.
Other names: c.5258A>G, p.Lys1753Arg (NM_001424113.1); c.5237A>G, p.Lys1746Arg (NM_001424114.1); c.4985A>G, p.Lys1662Arg (NM_001424115.1); c.1766A>G, p.Lys589Arg (NM_001424116.1, NM_080645.3); short protein forms K1662R, K1746R, K1753R, K589R.
Identifiers: ClinVar variation 3756463 (VCV003756463.2).

ClinVar aggregate classification (germline): Uncertain significance (1 of 4 stars; one submission).

Conditions:
Ullrich congenital muscular dystrophy 2 (UCMD2). Identifiers: Orphanet 75840, MedGen C4225314, MONDO:0014654, OMIM 616470.
Bethlem myopathy 2 (BTHLM2). Identifiers: Orphanet 536516, Orphanet 610, MedGen C4225313, MONDO:0034022, OMIM 616471.

Submission:

Labcorp Genetics (formerly Invitae), Labcorp
Classification: Uncertain significance for Bethlem myopathy 2; Ullrich congenital muscular dystrophy 2. Last evaluated: 2024-05-21. Review status: criteria provided, single submitter. Criteria: Invitae Variant Classification Sherloc (09022015). Collection method: clinical testing. Allele origin: germline.
Comment: This sequence change replaces lysine, which is basic and polar, with arginine, which is basic and polar, at codon 1753 of the COL12A1 protein (p.Lys1753Arg). This variant is not present in population databases (gnomAD no frequency). This variant has not been reported in the literature in individuals affected with COL12A1-related conditions. Advanced modeling of protein sequence and biophysical properties (such as structural, functional, and spatial information, amino acid conservation, physicochemical variation, residue mobility, and thermodynamic stability) performed at Invitae indicates that this missense variant is not expected to disrupt COL12A1 protein function with a negative predictive value of 80%. In summary, the available evidence is currently insufficient to determine the role of this variant in disease. Therefore, it has been classified as a Variant of Uncertain Significance.